The following is an entry in ClinVar:

ClinVar aggregate classification (germline): Conflicting classifications of pathogenicity. Review status: criteria provided, conflicting classifications (1 of 4 stars). 3 submissions from 3 submitters: Uncertain significance (1); Likely benign (2). Last evaluated 2025-04-08.

Conditions:
Inborn genetic diseases. Identifiers: MedGen C0950123, MeSH D030342.

Allele frequency attached by ClinVar (database versions not stated): TOPMed 0.00005; gnomAD 0.00006; ExAC 0.00002; gnomAD exomes 0.00002 and 0.00003.
gnomAD v4.1: 60 of 1,612,260 alleles (0.0037%); highest among the groups gnomAD compares: African/African-American, 0.0067%; no homozygotes.

Submissions (3):

Labcorp Genetics (formerly Invitae), Labcorp
Classification: Uncertain significance. Last evaluated: 2025-04-08. Review status: criteria provided, single submitter. Criteria: Invitae Variant Classification Sherloc (09022015). Collection method: clinical testing. Allele origin: germline.
Comment: This sequence change replaces glycine, which is neutral and non-polar, with arginine, which is basic and polar, at codon 102 of the AHDC1 protein (p.Gly102Arg). This variant is present in population databases (rs752038684, gnomAD 0.007%). This variant has not been reported in the literature in individuals affected with AHDC1-related conditions. ClinVar contains an entry for this variant (Variation ID: 1201119). An algorithm developed to predict the effect of missense changes on protein structure and function (PolyPhen-2) suggests that this variant is likely to be disruptive. In summary, the available evidence is currently insufficient to determine the role of this variant in disease. Therefore, it has been classified as a Variant of Uncertain Significance.

Ambry Genetics
Classification: Likely benign for Inborn genetic diseases. Last evaluated: 2025-03-18. Review status: criteria provided, single submitter. Criteria: Ambry Variant Classification Scheme 2023. Collection method: clinical testing. Allele origin: germline.

GeneDx
Classification: Likely benign. Last evaluated: 2020-02-12. Review status: criteria provided, single submitter. Criteria: GeneDx Variant Classification Process June 2021. Collection method: clinical testing. Allele origin: germline. Affected: yes.

NM_001371928.1(AHDC1):c.304G>A (p.Gly102Arg)

Gene: AHDC1 (AT-hook DNA binding motif containing 1; minus strand). Cytogenetic location: 1p36.11.
Variant type: single nucleotide variant.
Coding change: c.304G>A on transcript NM_001371928.1 (MANE Select); coding-DNA position 304, G replaced by A.
Protein change: p.Gly102Arg; replaces glycine 102 with arginine.
Molecular consequence: missense variant.
Genome position (GRCh38, 1-based): chr1:27,551,812, C>T on the plus strand (G>A on the coding strand, the complement: AHDC1 is on the minus strand). VCF-style: chr1-27551812-C-T. GRCh37 (hg19) VCF-style: chr1-27878323-C-T.
Other names: c.304G>A, p.Gly102Arg (NM_001029882.3); short protein forms G102R.
Identifiers: ClinVar variation 1201119 (VCV001201119.9), dbSNP rs752038684, ClinGen allele CA716174.